The following is an entry in ClinVar:

ClinVar aggregate classification (germline): Benign (1 of 4 stars; one submission).

Allele frequency attached by ClinVar (database versions not stated): gnomAD exomes 0.08127; 1000 Genomes Project 0.11062; 1000 Genomes Project 30x 0.11430; TOPMed 0.12767; gnomAD 0.12933 and 0.13538.

Submission:

GeneDx
Classification: Benign. Last evaluated: 2018-06-14. Review status: criteria provided, single submitter. Criteria: GeneDx Variant Classification (06012015). Collection method: clinical testing. Allele origin: germline. Affected: yes.
Comment: This variant is considered likely benign or benign based on one or more of the following criteria: it is a conservative change, it occurs at a poorly conserved position in the protein, it is predicted to be benign by multiple in silico algorithms, and/or has population frequency not consistent with disease.

NM_001042545.2(LTBP4):c.4519+108T>C

Gene: LTBP4 (latent transforming growth factor beta binding protein 4; plus strand). Cytogenetic location: 19q13.2.
Variant type: single nucleotide variant.
Coding change: c.4519+108T>C on transcript NM_001042545.2 (MANE Select); 108 bases into the intron after coding-DNA position 4519, T replaced by C.
Molecular consequence: intron variant.
Genome position (GRCh38, 1-based): chr19:40,627,965, T>C. VCF-style: chr19-40627965-T-C. GRCh37 (hg19) VCF-style: chr19-41133870-T-C.
Other names: c.4609+108T>C (NM_003573.2); c.4720+108T>C (NM_001042544.1).
Identifiers: ClinVar variation 678606 (VCV000678606.1), dbSNP rs11668042, ClinGen allele CA16572386.